The following is an entry in ClinVar:

ClinVar aggregate classification (germline): Pathogenic (1 of 4 stars; one submission).

Submission:

Labcorp Genetics (formerly Invitae), Labcorp
Classification: Pathogenic. Last evaluated: 2024-04-09. Review status: criteria provided, single submitter. Criteria: Invitae Variant Classification Sherloc (09022015). Collection method: clinical testing. Allele origin: germline.
Comment: This sequence change creates a premature translational stop signal (p.Cys2177Valfs*17) in the VPS13C gene. It is expected to result in an absent or disrupted protein product. Loss-of-function variants in VPS13C are known to be pathogenic (PMID: 26942284, 34875562). This variant is not present in population databases (gnomAD no frequency). This variant has not been reported in the literature in individuals affected with VPS13C-related conditions. For these reasons, this variant has been classified as Pathogenic.

Literature cited by the submitters: PubMed 26942284; PubMed 34875562.

NM_020821.3(VPS13C):c.6529del (p.Cys2177fs)

Gene: VPS13C (vacuolar protein sorting 13 homolog C; minus strand). Cytogenetic location: 15q22.2.
Variant type: Deletion.
Coding change: c.6529del on transcript NM_020821.3 (MANE Select); coding-DNA position 6529, one base deleted (T; older notation c.6529delT).
Protein change: p.Cys2177fs; shifts the reading frame from cysteine 2177.
Molecular consequence: frameshift variant.
Genome position (GRCh38, 1-based): chr15:61,925,536, A deleted on the plus strand (T on the coding strand, the reverse complement: VPS13C is on the minus strand). VCF-style (leftmost placement, unchanged base first): chr15-61925535-CA-C. GRCh37 (hg19) VCF-style: chr15-62217734-CA-C.
Other names: c.6529del, p.Cys2177fs (NM_001018088.3); c.6400del, p.Cys2134fs (NM_017684.5, NM_018080.4); short protein forms C2134fs, C2177fs.
Identifiers: ClinVar variation 3648490 (VCV003648490.2).